The following is an entry in ClinVar:

NM_022458.4(LMBR1):c.*89A>T

Gene: LMBR1 (limb development membrane protein 1; minus strand). Cytogenetic location: 7q36.3.
Variant type: single nucleotide variant.
Coding change: c.*89A>T on transcript NM_022458.4 (MANE Select); 89 bases downstream of the stop codon, A replaced by T.
Molecular consequence: 3 prime UTR variant. On other transcripts: non-coding transcript variant (2).
Genome position (GRCh38, 1-based): chr7:156,683,989, T>A on the plus strand (A>T on the coding strand, the complement: LMBR1 is on the minus strand). VCF-style: chr7-156683989-T-A. GRCh37 (hg19) VCF-style: chr7-156476683-T-A.
Other names: c.*89A>T (NM_001350953.2, NM_001350954.2, NM_001350955.2 and 8 more transcripts).
Identifiers: ClinVar variation 359418 (VCV000359418.7), dbSNP rs3735186, ClinGen allele CA10628635.

ClinVar aggregate classification (germline): Benign. Review status: criteria provided, multiple submitters, no conflicts (2 of 4 stars). 3 submissions from 3 submitters: Benign (3). Last evaluated 2018-07-09.

Conditions:
Polydactyly of a triphalangeal thumb. Also called: POLYDACTYLY OF TRIPHALANGEAL THUMB; TRIPHALANGEAL THUMB-POLYDACTYLY SYNDROME; Polydactyly, preaxial type II. Identifiers: Orphanet 2439, Orphanet 2950, Orphanet 93336, MedGen C1868114, MONDO:0008270, OMIM 174500.

Allele frequency attached by ClinVar (database versions not stated): TOPMed 0.07803; gnomAD 0.08395 and 0.08685; 1000 Genomes Project 30x 0.08604; 1000 Genomes Project 0.09225; gnomAD exomes 0.11425.
gnomAD v4.1: 119,805 of 1,088,158 alleles (11%); highest among the groups gnomAD compares: East Asian, 23%; 7,510 homozygotes.

Submissions (3):

GeneDx
Classification: Benign. Last evaluated: 2018-07-09. Review status: criteria provided, single submitter. Criteria: GeneDx Variant Classification Process June 2021. Collection method: clinical testing. Allele origin: germline. Affected: yes.

Illumina Laboratory Services, Illumina
Classification: Benign for Polydactyly of a triphalangeal thumb. Last evaluated: 2018-01-13. Review status: criteria provided, single submitter. Criteria: ICSL Variant Classification Criteria 13 December 2019. Collection method: clinical testing. Allele origin: germline.
Comment: This variant was observed in the ICSL laboratory as part of a predisposition screen in an ostensibly healthy population. It had not been previously curated by ICSL or reported in the Human Gene Mutation Database (HGMD: prior to June 1st, 2018), and was therefore a candidate for classification through an automated scoring system. Utilizing variant allele frequency, disease prevalence and penetrance estimates, and inheritance mode, an automated score was calculated to assess if this variant is too frequent to cause the disease. Based on the score and internal cut-off values, a variant classified as benign is not then subjected to further curation. The score for this variant resulted in a classification of benign for this disease.

Breakthrough Genomics
Classification: Benign. Review status: criteria provided, single submitter. Criteria: ACMG Guidelines, 2015. Collection method: not provided. Allele origin: germline. Inheritance: Autosomal recessive inheritance. Affected: yes.